The following is an entry in ClinVar:

ClinVar aggregate classification (germline): Uncertain significance (1 of 4 stars; one submission).

Conditions:
Bardet-Biedl syndrome (BBS). Identifiers: Orphanet 110, MedGen C0752166, MONDO:0015229.
McKusick-Kaufman syndrome (MKKS). Also called: HYDROMETROCOLPOS SYNDROME; HYDROMETROCOLPOS, POSTAXIAL POLYDACTYLY, AND CONGENITAL HEART MALFORMATION. Identifiers: Orphanet 2473, MedGen C0948368, MONDO:0009367, OMIM 236700.

Submission:

Labcorp Genetics (formerly Invitae), Labcorp
Classification: Uncertain significance for McKusick-Kaufman syndrome; Bardet-Biedl syndrome. Last evaluated: 2022-09-27. Review status: criteria provided, single submitter. Criteria: Invitae Variant Classification Sherloc (09022015). Collection method: clinical testing. Allele origin: germline.
Comment: This sequence change replaces proline, which is neutral and non-polar, with leucine, which is neutral and non-polar, at codon 16 of the MKKS protein (p.Pro16Leu). This variant is not present in population databases (gnomAD no frequency). This variant has not been reported in the literature in individuals affected with MKKS-related conditions. Algorithms developed to predict the effect of missense changes on protein structure and function output the following: SIFT: "Deleterious"; PolyPhen-2: "Benign"; Align-GVGD: "Class C15". The leucine amino acid residue is found in multiple mammalian species, which suggests that this missense change does not adversely affect protein function. In summary, the available evidence is currently insufficient to determine the role of this variant in disease. Therefore, it has been classified as a Variant of Uncertain Significance.

NM_170784.3(MKKS):c.47C>T (p.Pro16Leu)

Gene: MKKS (MKKS centrosomal shuttling protein; minus strand). Cytogenetic location: 20p12.2.
Variant type: single nucleotide variant.
Coding change: c.47C>T on transcript NM_170784.3 (MANE Select); coding-DNA position 47, C replaced by T.
Protein change: p.Pro16Leu; replaces proline 16 with leucine.
Molecular consequence: missense variant.
Genome position (GRCh38, 1-based): chr20:10,413,468, G>A on the plus strand (C>T on the coding strand, the complement: MKKS is on the minus strand). VCF-style: chr20-10413468-G-A. GRCh37 (hg19) VCF-style: chr20-10394116-G-A.
Other names: c.47C>T, p.Pro16Leu (NM_018848.3); short protein forms P16L.
Identifiers: ClinVar variation 2130674 (VCV002130674.4), dbSNP rs2514498254, ClinGen allele CA408233935.